The following is an entry in ClinVar:

NM_000135.4(FANCA):c.167A>G (p.Asp56Gly)

Gene: FANCA (FA complementation group A; minus strand). Cytogenetic location: 16q24.3.
Variant type: single nucleotide variant.
Coding change: c.167A>G on transcript NM_000135.4 (MANE Select); coding-DNA position 167, A replaced by G.
Protein change: p.Asp56Gly; replaces aspartic acid 56 with glycine.
Molecular consequence: missense variant.
Genome position (GRCh38, 1-based): chr16:89,815,899, T>C on the plus strand (A>G on the coding strand, the complement: FANCA is on the minus strand). VCF-style: chr16-89815899-T-C. GRCh37 (hg19) VCF-style: chr16-89882307-T-C.
Other names: c.167A>G, p.Asp56Gly (NM_001018112.3, NM_001286167.3, NM_001351830.2); short protein forms D56G.
Identifiers: ClinVar variation 4254262 (VCV004254262.1).

ClinVar aggregate classification (germline): Uncertain significance (1 of 4 stars; one submission).

Conditions:
Inborn genetic diseases. Identifiers: MedGen C0950123, MeSH D030342.

gnomAD v4.1: 1 of 1,613,968 alleles (0.000062%); highest among the groups gnomAD compares: Non-Finnish European, 0.000085%; no homozygotes.

Submission:

Ambry Genetics
Classification: Uncertain significance for Inborn genetic diseases. Last evaluated: 2025-08-04. Review status: criteria provided, single submitter. Criteria: Ambry Variant Classification Scheme 2023. Collection method: clinical testing. Allele origin: germline.
Comment: The p.D56G variant (also known as c.167A>G), located in coding exon 2 of the FANCA gene, results from an A to G substitution at nucleotide position 167. The aspartic acid at codon 56 is replaced by glycine, an amino acid with similar properties. This amino acid position is conserved. In addition, this alteration is predicted to be tolerated by in silico analysis. Based on the available evidence, the clinical significance of this variant remains unclear.